The following is an entry in ClinVar:

ClinVar aggregate classification (germline): Uncertain significance. Review status: criteria provided, multiple submitters, no conflicts (2 of 4 stars). 3 submissions from 3 submitters: Uncertain significance (3). Last evaluated 2025-10-30.

Conditions:
Mucopolysaccharidosis, MPS-III-D (MPS3D). Also called: MPS IIID (Sanfilippo Syndrome Type D); MPS III D; Mucopoly-saccharidosis type 3D; N-acetylglucosamine-6-sulfate sulfatase deficiency; MPS 3D; N-ACETYLGLUCOSAMINE-6-SULFATASE DEFICIENCY. Identifiers: Orphanet 581, Orphanet 79272, MedGen C0086650, MONDO:0009658, OMIM 252940.
Inborn genetic diseases. Identifiers: MedGen C0950123, MeSH D030342.

Allele frequency attached by ClinVar (database versions not stated): gnomAD 0.00004 and 0.00001; ExAC 0.00006; TOPMed 0.00001; 1000 Genomes Project 0.00040; 1000 Genomes Project 30x 0.00047.
gnomAD v4.1: 201 of 1,548,282 alleles (0.013%); highest among the groups gnomAD compares: East Asian, 0.46%; 1 homozygote.

Submissions (3):

Ambry Genetics
Classification: Uncertain significance for Inborn genetic diseases. Last evaluated: 2025-10-30. Review status: criteria provided, single submitter. Criteria: Ambry Variant Classification Scheme 2023. Collection method: clinical testing. Allele origin: germline.

Labcorp Genetics (formerly Invitae), Labcorp
Classification: Uncertain significance for Mucopolysaccharidosis, MPS-III-D. Last evaluated: 2024-04-10. Review status: criteria provided, single submitter. Criteria: Invitae Variant Classification Sherloc (09022015). Collection method: clinical testing. Allele origin: germline.
Comment: This sequence change replaces alanine, which is neutral and non-polar, with threonine, which is neutral and polar, at codon 25 of the GNS protein (p.Ala25Thr). This variant is present in population databases (rs540537083, gnomAD 0.009%). This variant has not been reported in the literature in individuals affected with GNS-related conditions. ClinVar contains an entry for this variant (Variation ID: 310212). An algorithm developed to predict the effect of missense changes on protein structure and function (PolyPhen-2) suggests that this variant is likely to be disruptive. In summary, the available evidence is currently insufficient to determine the role of this variant in disease. Therefore, it has been classified as a Variant of Uncertain Significance.

Illumina Laboratory Services, Illumina
Classification: Uncertain significance for Mucopolysaccharidosis, MPS-III-D. Last evaluated: 2018-01-13. Review status: criteria provided, single submitter. Criteria: ICSL Variant Classification Criteria 13 December 2019. Collection method: clinical testing. Allele origin: germline.

NM_002076.4(GNS):c.73G>A (p.Ala25Thr)

Gene: GNS (glucosamine (N-acetyl)-6-sulfatase; minus strand). Cytogenetic location: 12q14.3.
Variant type: single nucleotide variant.
Coding change: c.73G>A on transcript NM_002076.4 (MANE Select); coding-DNA position 73, G replaced by A.
Protein change: p.Ala25Thr; replaces alanine 25 with threonine.
Molecular consequence: missense variant.
Genome position (GRCh38, 1-based): chr12:64,759,204, C>T on the plus strand (G>A on the coding strand, the complement: GNS is on the minus strand). VCF-style: chr12-64759204-C-T. GRCh37 (hg19) VCF-style: chr12-65152984-C-T.
Other names: short protein forms A25T.
Identifiers: ClinVar variation 310212 (VCV000310212.8), dbSNP rs540537083, ClinGen allele CA6670050.